The following is an entry in ClinVar:

NM_005560.6(LAMA5):c.6668_6676dup (p.Pro2225_Arg2226insLeuGlyPro)

Gene: LAMA5 (laminin subunit alpha 5; minus strand). Cytogenetic location: 20q13.33.
Variant type: Duplication.
Coding change: c.6668_6676dup on transcript NM_005560.6 (MANE Select); coding-DNA positions 6668 to 6676, 9 bases duplicated (TGGGCCCCC; older notation c.6668_6676dupTGGGCCCCC).
Protein change: p.Pro2225_Arg2226insLeuGlyPro.
Genome position (GRCh38, 1-based): chr20:62,320,642-62,320,650, GGGGGCCCA duplicated on the plus strand (TGGGCCCCC on the coding strand, the reverse complement: LAMA5 is on the minus strand); duplicating any 9 consecutive bases within chr20:62,320,642-62,320,656 gives the same sequence; the c. name uses the placement nearest the transcript's 3' end. VCF-style (leftmost placement, unchanged base first): chr20-62320641-C-CGGGGGCCCA. GRCh37 (hg19) VCF-style: chr20-60895697-C-CGGGGGCCCA.
Identifiers: ClinVar variation 3637853 (VCV003637853.2).

ClinVar aggregate classification (germline): Uncertain significance (1 of 4 stars; one submission).

Submission:

Labcorp Genetics (formerly Invitae), Labcorp
Classification: Uncertain significance. Last evaluated: 2024-01-31. Review status: criteria provided, single submitter. Criteria: Invitae Variant Classification Sherloc (09022015). Collection method: clinical testing. Allele origin: germline.
Comment: This variant, c.6668_6676dup, results in the insertion of 3 amino acid(s) of the LAMA5 protein (p.Leu2223_Pro2225dup), but otherwise preserves the integrity of the reading frame. This variant is not present in population databases (gnomAD no frequency). This variant has not been reported in the literature in individuals affected with LAMA5-related conditions. In summary, the available evidence is currently insufficient to determine the role of this variant in disease. Therefore, it has been classified as a Variant of Uncertain Significance.